The following is an entry in ClinVar:

ClinVar aggregate classification (germline): Uncertain significance (1 of 4 stars; one submission).

Conditions:
Familial adenomatous polyposis 2. Also called: COLORECTAL ADENOMATOUS POLYPOSIS, AUTOSOMAL RECESSIVE; ADENOMAS, MULTIPLE COLORECTAL, AUTOSOMAL RECESSIVE; Adenomas, multiple colorectal; MYH-associated polyposis; MUTYH-associated polyposis; MUTYH-related attenuated familial adenomatous polyposis. Identifiers: Orphanet 220460, Orphanet 247798, MedGen C3272841, MONDO:0012041, OMIM 608456.

Allele frequency attached by ClinVar (database versions not stated): gnomAD exomes below 0.00001.

Submission:

Labcorp Genetics (formerly Invitae), Labcorp
Classification: Uncertain significance for Familial adenomatous polyposis 2. Last evaluated: 2024-12-16. Review status: criteria provided, single submitter. Criteria: Invitae Variant Classification Sherloc (09022015). Collection method: clinical testing. Allele origin: germline.
Comment: This sequence change falls in intron 9 of the MUTYH gene. It does not directly change the encoded amino acid sequence of the MUTYH protein. This variant is not present in population databases (gnomAD no frequency). This variant has not been reported in the literature in individuals affected with MUTYH-related conditions. ClinVar contains an entry for this variant (Variation ID: 1991572). Algorithms developed to predict the effect of sequence changes on RNA splicing suggest that this variant may disrupt the consensus splice site. In summary, the available evidence is currently insufficient to determine the role of this variant in disease. Therefore, it has been classified as a Variant of Uncertain Significance.

NM_001048174.2(MUTYH):c.704+12G>A

Gene: MUTYH (mutY DNA glycosylase; minus strand). Cytogenetic location: 1p34.1.
Variant type: single nucleotide variant.
Coding change: c.704+12G>A on transcript NM_001048174.2 (MANE Select); 12 bases into the intron after coding-DNA position 704, G replaced by A.
Molecular consequence: intron variant.
Genome position (GRCh38, 1-based): chr1:45,332,379, C>T on the plus strand (G>A on the coding strand, the complement: MUTYH is on the minus strand). VCF-style: chr1-45332379-C-T. GRCh37 (hg19) VCF-style: chr1-45798051-C-T.
Other names: c.359+12G>A (NM_001350651.2, NM_001350650.2); c.428+12G>A (NM_001293192.2, NM_001293196.2); c.704+12G>A (NM_001048171.2, NM_001048173.2, NM_001293195.2); c.749+12G>A (NM_001293190.2); c.779+12G>A (NM_012222.3); c.788+12G>A (NM_001128425.2); c.707+12G>A (NM_001048172.2); c.737+12G>A (NM_001293191.2).
Identifiers: ClinVar variation 1991572 (VCV001991572.4), dbSNP rs1013807334, ClinGen allele CA21837285.